The following is an entry in ClinVar:

NM_206933.4(USH2A):c.5637_5638del (p.Ser1880fs)

Genes: USH2A-AS2 (USH2A antisense RNA 2; plus strand), USH2A (usherin; minus strand). Cytogenetic location: 1q41.
Variant type: Microsatellite.
Coding change: c.5637_5638del on transcript NM_206933.4 (MANE Select); coding-DNA positions 5637 to 5638, 2 bases deleted (GT; older notation c.5637_5638delGT).
Protein change: p.Ser1880fs; shifts the reading frame from serine 1880.
Molecular consequence: frameshift variant.
Genome position (GRCh38, 1-based): chr1:216,073,235-216,073,236, AC deleted on the plus strand (GT on the coding strand, the reverse complement: USH2A is on the minus strand); deleting any 2 consecutive bases within chr1:216,073,235-216,073,239 gives the same sequence; the c. name uses the placement nearest the transcript's 3' end. VCF-style (leftmost placement, unchanged base first): chr1-216073234-GAC-G. GRCh37 (hg19) VCF-style: chr1-216246576-GAC-G.
Other names: short protein forms S1880fs.
Identifiers: ClinVar variation 5004552 (VCV005004552.1).

ClinVar aggregate classification (germline): Pathogenic (1 of 4 stars; one submission).

Conditions:
USH2A-related disorder. Also called: USH2A-related condition; USH2A-related disorders. Identifiers: MedGen CN239332.

Submission:

Myriad Genetics, Inc.
Classification: Pathogenic for USH2A-related disorder. Last evaluated: 2026-03-23. Review status: criteria provided, single submitter. Criteria: Myriad Autosomal Dominant, Autosomal Recessive and X-Linked Classification Criteria (2023). Collection method: clinical testing. Allele origin: unknown.
Comment: NM_206933.2(USH2A):c.5637_5638delGT(S1880Qfs*15) is a frameshift variant classified as pathogenic in the context of USH2A-related disorders. S1880Qfs*15 has not been observed in cases with relevant disease. Relevant functional assessments of this variant are not available in the literature. S1880Qfs*15 has not been observed in referenced population frequency databases. In summary, NM_206933.2(USH2A):c.5637_5638delGT(S1880Qfs*15) is a frameshift variant in a gene where loss of function is a known mechanism of disease and is predicted to disrupt protein function. Please note: this variant was assessed in the context of healthy population screening.